The following is an entry in ClinVar:

NM_001148.6(ANK2):c.10896_10897delinsAA (p.Asn3632_Leu3633delinsLysIle)

Gene: ANK2 (ankyrin 2; plus strand). Cytogenetic location: 4q26.
Variant type: Indel.
Coding change: c.10896_10897delinsAA on transcript NM_001148.6 (MANE Select); coding-DNA positions 10896 to 10897, CC replaced by AA.
Protein change: p.Asn3632_Leu3633delinsLysIle.
Molecular consequence: missense variant.
Genome position (GRCh38, 1-based): chr4:113,365,046-113,365,047, CC replaced by AA. VCF-style: chr4-113365046-CC-AA. GRCh37 (hg19) VCF-style: chr4-114286202-CC-AA.
Other names: c.4614_4615delinsAA, p.Asn1538_Leu1539delinsLysIle (NM_001127493.3); c.10896_10897delCCinsAA, p.Asn3632_Leu3633delinsLysIle (NM_001148.4); c.4653_4654delinsAA, p.Asn1551_Leu1552delinsLysIle (NM_001354225.2); c.4542_4543delinsAA, p.Asn1514_Leu1515delinsLysIle (NM_001354228.2, NM_001354258.2); c.4620_4621delinsAA, p.Asn1540_Leu1541delinsLysIle (NM_001354230.2); c.4683_4684delinsAA, p.Asn1561_Leu1562delinsLysIle (NM_001354231.2, NM_001354242.2); c.4677_4678delinsAA, p.Asn1559_Leu1560delinsLysIle (NM_001354232.2); c.4638_4639delinsAA, p.Asn1546_Leu1547delinsLysIle (NM_001354235.2, NM_001354246.2, NM_001354265.2); and 36 more.
Identifiers: ClinVar variation 2663512 (VCV002663512.1), dbSNP rs2506995104, ClinGen allele CA2695198512.
Genomic context (GRCh38, chr4:113,365,046, plus strand): 5'-ATTTTTAAGAGTACCTCTCAGACATAATAAATGCTGTTTCTCTAATGTGTCAGATACCAA[CC>AA]TCGTTGAATGTCTCACCAAGATCAACCGAATGGATATTGTTCATCTCATGGAGACCAACA-3'

ClinVar aggregate classification (germline): Uncertain significance (1 of 4 stars; one submission).

Submission:

GeneDx
Classification: Uncertain significance. Last evaluated: 2023-04-28. Review status: criteria provided, single submitter. Criteria: GeneDx Variant Classification Process June 2021. Collection method: clinical testing. Allele origin: germline. Affected: yes.
Comment: Not observed at significant frequency in large population cohorts (gnomAD); In silico analysis supports a deleterious effect on protein structure/function; Has not been previously published as pathogenic or benign to our knowledge